The following is an entry in ClinVar:

ClinVar aggregate classification (germline): Uncertain significance (1 of 4 stars; one submission).

Allele frequency attached by ClinVar (database versions not stated): TOPMed 0.00001; gnomAD 0.00006; ExAC 0.00009; 1000 Genomes Project 30x 0.00047; 1000 Genomes Project 0.00060.
gnomAD v4.1: 70 of 1,611,828 alleles (0.0043%); highest among the groups gnomAD compares: South Asian, 0.063%; 1 homozygote.

Submission:

Labcorp Genetics (formerly Invitae), Labcorp
Classification: Uncertain significance. Last evaluated: 2023-04-03. Review status: criteria provided, single submitter. Criteria: Invitae Variant Classification Sherloc (09022015). Collection method: clinical testing. Allele origin: germline.
Comment: In summary, the available evidence is currently insufficient to determine the role of this variant in disease. Therefore, it has been classified as a Variant of Uncertain Significance. This sequence change replaces arginine, which is basic and polar, with cysteine, which is neutral and slightly polar, at codon 453 of the MIPEP protein (p.Arg453Cys). This variant is present in population databases (rs532320489, gnomAD 0.07%). This variant has not been reported in the literature in individuals affected with MIPEP-related conditions. Advanced modeling of protein sequence and biophysical properties (such as structural, functional, and spatial information, amino acid conservation, physicochemical variation, residue mobility, and thermodynamic stability) performed at Invitae indicates that this missense variant is not expected to disrupt MIPEP protein function.

NM_005932.4(MIPEP):c.1357C>T (p.Arg453Cys)

Gene: MIPEP (mitochondrial intermediate peptidase; minus strand). Cytogenetic location: 13q12.12.
Variant type: single nucleotide variant.
Coding change: c.1357C>T on transcript NM_005932.4 (MANE Select); coding-DNA position 1357, C replaced by T.
Protein change: p.Arg453Cys; replaces arginine 453 with cysteine.
Molecular consequence: missense variant.
Genome position (GRCh38, 1-based): chr13:23,837,738, G>A on the plus strand (C>T on the coding strand, the complement: MIPEP is on the minus strand). VCF-style: chr13-23837738-G-A. GRCh37 (hg19) VCF-style: chr13-24411877-G-A.
Other names: short protein forms R453C.
Identifiers: ClinVar variation 2955691 (VCV002955691.3), dbSNP rs532320489, ClinGen allele CA6913005.